The following is an entry in ClinVar:

ClinVar aggregate classification (germline): Conflicting classifications of pathogenicity. Review status: criteria provided, conflicting classifications (1 of 4 stars). 7 submissions from 7 submitters: Uncertain significance (1); Benign (2); Likely benign (1). 3 of the submissions do not count toward it. Last evaluated 2026-02-01.

Conditions:
EPG5-related disorder. Also called: EPG5-related condition. Identifiers: MedGen CN381528.
Vici syndrome (VICIS). Identifiers: Orphanet 1493, MedGen C1855772, MONDO:0009452, OMIM 242840.

Allele frequency attached by ClinVar (database versions not stated): 1000 Genomes Project 30x 0.00031; 1000 Genomes Project 0.00040; TOPMed 0.00087; gnomAD 0.00088 and 0.00093; gnomAD exomes 0.00112 and 0.00136; ExAC 0.00128; ESP Exome Variant Server 0.00165.
gnomAD v4.1: 2,126 of 1,614,154 alleles (0.13%); highest among the groups gnomAD compares: South Asian, 0.24%; 7 homozygotes.

Submissions (7):

CeGaT Center for Human Genetics Tuebingen
Classification: Benign. Last evaluated: 2026-02-01. Review status: criteria provided, single submitter. Criteria: CeGaT Center For Human Genetics Tuebingen Variant Classification Criteria Version 2. Collection method: clinical testing. Allele origin: germline. Affected: yes. Observed: 2 variant alleles.
Comment: EPG5: BP4, BS1, BS2

Labcorp Genetics (formerly Invitae), Labcorp
Classification: Benign for Vici syndrome. Last evaluated: 2026-01-21. Review status: criteria provided, single submitter. Criteria: Invitae Variant Classification Sherloc (09022015). Collection method: clinical testing. Allele origin: germline.

Blueprint Genetics
Classification: Likely benign. Last evaluated: 2024-11-25. Review status: criteria provided, single submitter. Criteria: ACMG Guidelines, 2015. Collection method: clinical testing. Allele origin: germline.

Center for Genomics, Ann and Robert H. Lurie Children's Hospital of Chicago
Classification: Uncertain significance for Vici syndrome. Last evaluated: 2021-03-30. Review status: criteria provided, single submitter. Criteria: ACMG Guidelines, 2015. Collection method: clinical testing. Allele origin: germline.
Comment: EPG5 NM_020964.2 exon2 p.Ala72Thr (c.214G>A): This variant has not been reported in the literature but is present in 0.3% (86/30602) of South Asian alleles including 2 homozygotes in the Genome Aggregation Database. This variant is present in ClinVar (Variation ID:466241). This variant amino acid threonine (Thr) is present in 4 species (alpaca, platypus, saker falcon, peregrine falcon) and is not well conserved among evolutionarily distant species; this suggests that this variant may not impact the protein. Additional computational prediction tools do not suggest an impact. In summary, data on this variant is insufficient for disease classification. Therefore, the clinical significance of this variant is uncertain.

PreventionGenetics, part of Exact Sciences
Classification: Likely benign for EPG5-related condition. Last evaluated: 2022-09-20. Review status: no assertion criteria provided. Collection method: clinical testing. Allele origin: germline. Not counted in ClinVar's aggregate classification.
Comment: This variant is classified as likely benign based on ACMG/AMP sequence variant interpretation guidelines (Richards et al. 2015 PMID: 25741868, with internal and published modifications).

Clinical Genetics DNA and cytogenetics Diagnostics Lab, Erasmus MC, Erasmus Medical Center
Classification: Likely benign. Review status: no assertion criteria provided. Collection method: clinical testing. Allele origin: germline. Affected: yes. Study: VKGL Data-share Consensus. Not counted in ClinVar's aggregate classification.

Genome Diagnostics Laboratory, University Medical Center Utrecht
Classification: Likely benign. Review status: no assertion criteria provided. Collection method: clinical testing. Allele origin: germline. Affected: yes. Study: VKGL Data-share Consensus. Not counted in ClinVar's aggregate classification.

NM_020964.3(EPG5):c.214G>A (p.Ala72Thr)

Gene: EPG5 (ectopic P-granules 5 autophagy tethering factor; minus strand). Cytogenetic location: 18q21.1.
Variant type: single nucleotide variant.
Coding change: c.214G>A on transcript NM_020964.3 (MANE Select); coding-DNA position 214, G replaced by A.
Protein change: p.Ala72Thr; replaces alanine 72 with threonine.
Molecular consequence: missense variant.
Genome position (GRCh38, 1-based): chr18:45,955,188, C>T on the plus strand (G>A on the coding strand, the complement: EPG5 is on the minus strand). VCF-style: chr18-45955188-C-T. GRCh37 (hg19) VCF-style: chr18-43535154-C-T.
Other names: c.214G>A, p.Ala72Thr (LRG_1234t1); short protein forms A72T.
Identifiers: ClinVar variation 466241 (VCV000466241.39), dbSNP rs201067154, ClinGen allele CA8949996.
Genomic context (GRCh38, chr18:45,955,188, plus strand): 5'-TGCTTATAGTTAAGGAGGTGAGTGGTACATCAAACATTTCACTCTCATTTTGTCCACTGG[C>T]ATCATCCTGGAGCTGGGAATCAGTTACCACCTTCAGATGGTCTCCTTTGAATTCACAGGC-3'
Protein context (NP_066015.2, residues 62-82): VVTDSQLQDD[Ala72Thr]SGQNESEMFD